The following is an entry in ClinVar:

NM_025137.4(SPG11):c.6510C>G (p.Asn2170Lys)

Gene: SPG11 (SPG11 vesicle trafficking associated, spatacsin; minus strand). Cytogenetic location: 15q21.1.
Variant type: single nucleotide variant.
Coding change: c.6510C>G on transcript NM_025137.4 (MANE Select); coding-DNA position 6510, C replaced by G.
Protein change: p.Asn2170Lys; replaces asparagine 2170 with lysine.
Molecular consequence: missense variant.
Genome position (GRCh38, 1-based): chr15:44,569,473, G>C on the plus strand (C>G on the coding strand, the complement: SPG11 is on the minus strand). VCF-style: chr15-44569473-G-C. GRCh37 (hg19) VCF-style: chr15-44861671-G-C.
Other names: c.6171C>G, p.Asn2057Lys (NM_001160227.2); c.6366C>G, p.Asn2122Lys (NM_001411132.1); short protein forms N2057K, N2122K, N2170K.
Identifiers: ClinVar variation 1713509 (VCV001713509.3), dbSNP rs776869653, ClinGen allele CA392215996.
Genomic context (GRCh38, chr15:44,569,473, plus strand): 5'-CCTCATTAGCACTTCAAAGTAGTGCTTTTTATGCAGCAAATCAAATATGTATGTCATCTC[G>C]TTGTACCTTCCAATGCCAGTGAGGAGCCGTACCTGTGAAGTGGGAGGACAGCTCGCATCA-3'
Protein context (NP_079413.3, residues 2160-2180): VRLLTGIGRY[Asn2170Lys]EMTYIFDLLH

ClinVar aggregate classification (germline): Uncertain significance (1 of 4 stars; one submission).

Conditions:
Hereditary spastic paraplegia 11. Also called: Nakamura Osame syndrome; Autosomal recessive hereditary spastic paraplegia, mental impairment, and thin corpus callosum; Spastic paraplegia, mental retardation and thin corpus callosum; SPASTIC PARAPLEGIA, AUTOSOMAL RECESSIVE, COMPLICATED, WITH THIN CORPUS CALLOSUM; SPASTIC PARAPLEGIA, AUTOSOMAL RECESSIVE, WITH MENTAL IMPAIRMENT AND THIN CORPUS CALLOSUM; Spastic Paraplegia 11. Identifiers: Orphanet 2822, MedGen C1858479, MONDO:0011445, OMIM 604360.

Allele frequency attached by ClinVar (database versions not stated): TOPMed below 0.00001; gnomAD 0.00001.

Submission:

Labcorp Genetics (formerly Invitae), Labcorp
Classification: Uncertain significance for Hereditary spastic paraplegia 11. Last evaluated: 2022-08-03. Review status: criteria provided, single submitter. Criteria: Invitae Variant Classification Sherloc (09022015). Collection method: clinical testing. Allele origin: germline.
Comment: This sequence change replaces asparagine, which is neutral and polar, with lysine, which is basic and polar, at codon 2170 of the SPG11 protein (p.Asn2170Lys). This variant is not present in population databases (gnomAD no frequency). This variant has not been reported in the literature in individuals affected with SPG11-related conditions. Algorithms developed to predict the effect of missense changes on protein structure and function are either unavailable or do not agree on the potential impact of this missense change (SIFT: "Tolerated"; PolyPhen-2: "Probably Damaging"; Align-GVGD: "Class C0"). In summary, the available evidence is currently insufficient to determine the role of this variant in disease. Therefore, it has been classified as a Variant of Uncertain Significance.